The following is an entry in ClinVar:

NM_173598.6(KSR2):c.605C>T (p.Pro202Leu)

Gene: KSR2 (kinase suppressor of ras 2; minus strand). Cytogenetic location: 12q24.23.
Variant type: single nucleotide variant.
Coding change: c.605C>T on transcript NM_173598.6 (MANE Select); coding-DNA position 605, C replaced by T.
Protein change: p.Pro202Leu; replaces proline 202 with leucine.
Molecular consequence: missense variant.
Genome position (GRCh38, 1-based): chr12:117,761,392, G>A on the plus strand (C>T on the coding strand, the complement: KSR2 is on the minus strand). VCF-style: chr12-117761392-G-A. GRCh37 (hg19) VCF-style: chr12-118199197-G-A.
Other names: short protein forms P202L.
Identifiers: ClinVar variation 3117185 (VCV003117185.3), dbSNP rs372529927, ClinGen allele CA6816294.

ClinVar aggregate classification (germline): Uncertain significance. Review status: criteria provided, multiple submitters, no conflicts (2 of 4 stars). 3 submissions from 3 submitters: Uncertain significance (3). Last evaluated 2026-04-06.

Conditions:
KSR2-related disorder. Also called: KSR2-related condition.

Allele frequency attached by ClinVar (database versions not stated): gnomAD 0.00002; ExAC 0.00003; TOPMed 0.00003; ESP Exome Variant Server 0.00008.
gnomAD v4.1: 39 of 1,607,460 alleles (0.0024%); highest among the groups gnomAD compares: Non-Finnish European, 0.0031%; no homozygotes.

Submissions (3):

PreventionGenetics, part of Exact Sciences
Classification: Uncertain significance for KSR2-related condition. Last evaluated: 2026-04-06. Review status: criteria provided, single submitter. Criteria: ACMG Guidelines, 2015. Collection method: clinical testing. Allele origin: germline.
Comment: The KSR2 c.518C>T variant is predicted to result in the amino acid substitution p.Pro173Leu. To our knowledge, this variant has not been reported in the literature. This variant is reported in 0.0042% of alleles in individuals of African descent in gnomAD. At this time, the clinical significance of this variant is uncertain due to the absence of conclusive functional and genetic evidence.

Labcorp Genetics (formerly Invitae), Labcorp
Classification: Uncertain significance. Last evaluated: 2025-10-01. Review status: criteria provided, single submitter. Criteria: Invitae Variant Classification Sherloc (09022015). Collection method: clinical testing. Allele origin: germline.
Comment: This sequence change replaces proline, which is neutral and non-polar, with leucine, which is neutral and non-polar, at codon 173 of the KSR2 protein (p.Pro173Leu). This variant is present in population databases (rs372529927, gnomAD 0.004%). This variant has not been reported in the literature in individuals affected with KSR2-related conditions. ClinVar contains an entry for this variant (Variation ID: 3117185). An algorithm developed to predict the effect of missense changes on protein structure and function (PolyPhen-2) suggests that this variant is likely to be tolerated. In summary, the available evidence is currently insufficient to determine the role of this variant in disease. Therefore, it has been classified as a Variant of Uncertain Significance.

Ambry Genetics
Classification: Uncertain significance. Last evaluated: 2023-11-29. Review status: criteria provided, single submitter. Criteria: Ambry Variant Classification Scheme 2023. Collection method: clinical testing. Allele origin: germline.